The following is an entry in ClinVar:

NM_152384.3(BBS5):c.523-10T>C

Gene: BBS5 (Bardet-Biedl syndrome 5; plus strand). Cytogenetic location: 2q31.1.
Variant type: single nucleotide variant.
Coding change: c.523-10T>C on transcript NM_152384.3 (MANE Select); 10 bases into the intron before coding-DNA position 523, T replaced by C.
Molecular consequence: intron variant.
Genome position (GRCh38, 1-based): chr2:169,493,731, T>C. VCF-style: chr2-169493731-T-C. GRCh37 (hg19) VCF-style: chr2-170350241-T-C.
Identifiers: ClinVar variation 2016028 (VCV002016028.4), dbSNP rs2468042320, ClinGen allele CA2580064501.

ClinVar aggregate classification (germline): Uncertain significance (1 of 4 stars; one submission).

Conditions:
Bardet-Biedl syndrome (BBS). Identifiers: Orphanet 110, MedGen C0752166, MONDO:0015229.

Submission:

Labcorp Genetics (formerly Invitae), Labcorp
Classification: Uncertain significance for Bardet-Biedl syndrome. Last evaluated: 2024-12-02. Review status: criteria provided, single submitter. Criteria: Invitae Variant Classification Sherloc (09022015). Collection method: clinical testing. Allele origin: germline.
Comment: This sequence change falls in intron 6 of the BBS5 gene. It does not directly change the encoded amino acid sequence of the BBS5 protein. This variant is not present in population databases (gnomAD no frequency). This variant has not been reported in the literature in individuals affected with BBS5-related conditions. ClinVar contains an entry for this variant (Variation ID: 2016028). Algorithms developed to predict the effect of sequence changes on RNA splicing suggest that this variant may disrupt the consensus splice site. In summary, the available evidence is currently insufficient to determine the role of this variant in disease. Therefore, it has been classified as a Variant of Uncertain Significance.